The following is an entry in ClinVar:

NM_007186.6(CEP250):c.6128C>T (p.Ala2043Val)

Gene: CEP250 (centrosomal protein 250; plus strand). Cytogenetic location: 20q11.22.
Variant type: single nucleotide variant.
Coding change: c.6128C>T on transcript NM_007186.6 (MANE Select); coding-DNA position 6128, C replaced by T.
Protein change: p.Ala2043Val; replaces alanine 2043 with valine.
Molecular consequence: missense variant.
Genome position (GRCh38, 1-based): chr20:35,504,497, C>T. VCF-style: chr20-35504497-C-T. GRCh37 (hg19) VCF-style: chr20-34092325-C-T.
Other names: c.4232C>T, p.Ala1411Val (NM_001318219.1); short protein forms A1411V, A2043V.
Identifiers: ClinVar variation 1930663 (VCV001930663.2), dbSNP rs2064125310, ClinGen allele CA408756098.
Genomic context (GRCh38, chr20:35,504,497, plus strand): 5'-AAGGTGAGATCCAGGACCAGGATCTCCGATACCAGGAGGATGTGCAGCAGCTGCAGCAGG[C>T]ACTTGCCCAGAGGGATGAAGAGCTGAGACATCAGCAGGAACGGGAGCAGCTGCTGGAGAA-3'
Protein context (NP_009117.2, residues 2033-2053): YQEDVQQLQQ[Ala2043Val]LAQRDEELRH

ClinVar aggregate classification (germline): Uncertain significance (1 of 4 stars; one submission).

Allele frequency attached by ClinVar (database versions not stated): gnomAD exomes below 0.00001; TOPMed below 0.00001; gnomAD 0.00001.
gnomAD v4.1: 3 of 1,613,638 alleles (0.00019%); highest among the groups gnomAD compares: Non-Finnish European, 0.00025%; no homozygotes.

Submission:

Labcorp Genetics (formerly Invitae), Labcorp
Classification: Uncertain significance. Last evaluated: 2022-07-11. Review status: criteria provided, single submitter. Criteria: Invitae Variant Classification Sherloc (09022015). Collection method: clinical testing. Allele origin: germline.
Comment: This sequence change replaces alanine, which is neutral and non-polar, with valine, which is neutral and non-polar, at codon 2043 of the CEP250 protein (p.Ala2043Val). This variant is not present in population databases (gnomAD no frequency). This variant has not been reported in the literature in individuals affected with CEP250-related conditions. Algorithms developed to predict the effect of missense changes on protein structure and function output the following: SIFT: "Not Available"; PolyPhen-2: "Benign"; Align-GVGD: "Not Available". The valine amino acid residue is found in multiple mammalian species, which suggests that this missense change does not adversely affect protein function. In summary, the available evidence is currently insufficient to determine the role of this variant in disease. Therefore, it has been classified as a Variant of Uncertain Significance.